The following is an entry in ClinVar:

NM_004523.4(KIF11):c.2657T>C (p.Ile886Thr)

Gene: KIF11 (kinesin family member 11; plus strand). Cytogenetic location: 10q23.33.
Variant type: single nucleotide variant.
Coding change: c.2657T>C on transcript NM_004523.4 (MANE Select); coding-DNA position 2657, T replaced by C.
Protein change: p.Ile886Thr; replaces isoleucine 886 with threonine.
Molecular consequence: missense variant.
Genome position (GRCh38, 1-based): chr10:92,648,321, T>C. VCF-style: chr10-92648321-T-C. GRCh37 (hg19) VCF-style: chr10-94408078-T-C.
Other names: short protein forms I886T.
Identifiers: ClinVar variation 1350433 (VCV001350433.8), dbSNP rs1206791515, ClinGen allele CA377805538.
Genomic context (GRCh38, chr10:92,648,321, plus strand): 5'-CAGATGGACGTAAGGCAGCTCATGAGAAACAGCATAACATTTTTCTTGATCAGATGACTA[T>C]TGATGAAGATAAATTGATAGCACAAAATCTAGAACTTAATGAAACCATAAAAATTGGTTT-3'
Protein context (NP_004514.2, residues 876-896): QHNIFLDQMT[Ile886Thr]DEDKLIAQNL

ClinVar aggregate classification (germline): Uncertain significance (1 of 4 stars; one submission).

Allele frequency attached by ClinVar (database versions not stated): gnomAD exomes below 0.00001; TOPMed below 0.00001.

Submission:

Labcorp Genetics (formerly Invitae), Labcorp
Classification: Uncertain significance. Last evaluated: 2026-01-19. Review status: criteria provided, single submitter. Criteria: Invitae Variant Classification Sherloc (09022015). Collection method: clinical testing. Allele origin: germline.
Comment: This sequence change replaces isoleucine, which is neutral and non-polar, with threonine, which is neutral and polar, at codon 886 of the KIF11 protein (p.Ile886Thr). This variant is not present in population databases (gnomAD no frequency). This variant has not been reported in the literature in individuals affected with KIF11-related conditions. ClinVar contains an entry for this variant (Variation ID: 1350433). Invitae Evidence Modeling of protein sequence and biophysical properties (such as structural, functional, and spatial information, amino acid conservation, physicochemical variation, residue mobility, and thermodynamic stability) indicates that this missense variant is not expected to disrupt KIF11 protein function with a negative predictive value of 95%. In summary, the available evidence is currently insufficient to determine the role of this variant in disease. Therefore, it has been classified as a Variant of Uncertain Significance.